The following is an entry in ClinVar:

NM_000492.4(CFTR):c.3904A>G (p.Lys1302Glu)

Gene: CFTR (CF transmembrane conductance regulator; plus strand). Cytogenetic location: 7q31.2.
Variant type: single nucleotide variant.
Coding change: c.3904A>G on transcript NM_000492.4 (MANE Select); coding-DNA position 3904, A replaced by G.
Protein change: p.Lys1302Glu; replaces lysine 1302 with glutamic acid.
Molecular consequence: missense variant.
Genome position (GRCh38, 1-based): chr7:117,652,872, A>G. VCF-style: chr7-117652872-A-G. GRCh37 (hg19) VCF-style: chr7-117292926-A-G.
Other names: short protein forms K1302E.
Identifiers: ClinVar variation 2851338 (VCV002851338.3), dbSNP rs2485171110, ClinGen allele CA368978167.

ClinVar aggregate classification (germline): Uncertain significance (1 of 4 stars; one submission).

Conditions:
Cystic fibrosis (CF). Also called: MUCOVISCIDOSIS. Identifiers: Orphanet 586, MedGen C0010674, MONDO:0009061, OMIM 219700. Disease mechanism: loss of function.

Allele frequency attached by ClinVar (database versions not stated): gnomAD exomes below 0.00001.
gnomAD v4.1: 1 of 1,593,798 alleles (0.000063%); highest among the groups gnomAD compares: Non-Finnish European, 0.000086%; no homozygotes.

Submission:

Labcorp Genetics (formerly Invitae), Labcorp
Classification: Uncertain significance for Cystic fibrosis. Last evaluated: 2023-04-03. Review status: criteria provided, single submitter. Criteria: Invitae Variant Classification Sherloc (09022015). Collection method: clinical testing. Allele origin: germline.
Comment: This sequence change replaces lysine, which is basic and polar, with glutamic acid, which is acidic and polar, at codon 1302 of the CFTR protein (p.Lys1302Glu). This variant is not present in population databases (gnomAD no frequency). This variant has not been reported in the literature in individuals affected with CFTR-related conditions. Advanced modeling of protein sequence and biophysical properties (such as structural, functional, and spatial information, amino acid conservation, physicochemical variation, residue mobility, and thermodynamic stability) performed at Invitae indicates that this missense variant is not expected to disrupt CFTR protein function. In summary, the available evidence is currently insufficient to determine the role of this variant in disease. Therefore, it has been classified as a Variant of Uncertain Significance.